The following is an entry in ClinVar:

NM_001036.6(RYR3):c.4219G>C (p.Val1407Leu)

Gene: RYR3 (ryanodine receptor 3; plus strand). Cytogenetic location: 15q14.
Variant type: single nucleotide variant.
Coding change: c.4219G>C on transcript NM_001036.6 (MANE Select); coding-DNA position 4219, G replaced by C.
Protein change: p.Val1407Leu; replaces valine 1407 with leucine.
Molecular consequence: missense variant.
Genome position (GRCh38, 1-based): chr15:33,652,794, G>C. VCF-style: chr15-33652794-G-C. GRCh37 (hg19) VCF-style: chr15-33944995-G-C.
Other names: c.4219G>C, p.Val1407Leu (NM_001243996.4); short protein forms V1407L.
Identifiers: ClinVar variation 530996 (VCV000530996.11), dbSNP rs1430659504, ClinGen allele CA391578864.

ClinVar aggregate classification (germline): Uncertain significance. Review status: criteria provided, multiple submitters, no conflicts (2 of 4 stars). 2 submissions from 2 submitters: Uncertain significance (2). Last evaluated 2022-10-24.

Conditions:
Epileptic encephalopathy. Identifiers: MedGen C0543888, HP:0200134.

gnomAD v4.1: 2 of 1,613,920 alleles (0.00012%); highest among the groups gnomAD compares: Middle Eastern, 0.016%; no homozygotes.

Submissions (2):

Labcorp Genetics (formerly Invitae), Labcorp
Classification: Uncertain significance for Epileptic encephalopathy. Last evaluated: 2022-10-24. Review status: criteria provided, single submitter. Criteria: Invitae Variant Classification Sherloc (09022015). Collection method: clinical testing. Allele origin: germline.
Comment: This sequence change replaces valine, which is neutral and non-polar, with leucine, which is neutral and non-polar, at codon 1407 of the RYR3 protein (p.Val1407Leu). This variant is not present in population databases (gnomAD no frequency). This variant has not been reported in the literature in individuals affected with RYR3-related conditions. ClinVar contains an entry for this variant (Variation ID: 530996). Advanced modeling of protein sequence and biophysical properties (such as structural, functional, and spatial information, amino acid conservation, physicochemical variation, residue mobility, and thermodynamic stability) performed at Invitae indicates that this missense variant is not expected to disrupt RYR3 protein function. In summary, the available evidence is currently insufficient to determine the role of this variant in disease. Therefore, it has been classified as a Variant of Uncertain Significance.

Breakthrough Genomics
Classification: Uncertain significance. Review status: criteria provided, single submitter. Criteria: ACMG Guidelines, 2015. Collection method: not provided. Allele origin: germline. Inheritance: Unknown mechanism. Affected: yes.